The following is an entry in ClinVar:

ClinVar aggregate classification (germline): Uncertain significance (1 of 4 stars; one submission).

Submission:

GeneDx
Classification: Uncertain significance. Last evaluated: 2025-07-24. Review status: criteria provided, single submitter. Criteria: GeneDx Variant Classification Process June 2021. Collection method: clinical testing. Allele origin: germline. Affected: yes.
Comment: Not observed at significant frequency in large population cohorts (gnomAD); In silico analysis supports that this missense variant has a deleterious effect on protein structure/function; Has not been previously published as pathogenic or benign to our knowledge

NM_004281.4(BAG3):c.665A>T (p.Gln222Leu)

Gene: BAG3 (BAG cochaperone 3; plus strand). Cytogenetic location: 10q26.11.
Variant type: single nucleotide variant.
Coding change: c.665A>T on transcript NM_004281.4 (MANE Select); coding-DNA position 665, A replaced by T.
Protein change: p.Gln222Leu; replaces glutamine 222 with leucine.
Molecular consequence: missense variant.
Genome position (GRCh38, 1-based): chr10:119,672,412, A>T. VCF-style: chr10-119672412-A-T. GRCh37 (hg19) VCF-style: chr10-121431924-A-T.
Other names: short protein forms Q222L.
Identifiers: ClinVar variation 4686940 (VCV004686940.1).